The following is an entry in ClinVar:

NM_001378414.1(HDAC4):c.1145A>G (p.Gln382Arg)

Gene: HDAC4 (histone deacetylase 4; minus strand). Cytogenetic location: 2q37.3.
Variant type: single nucleotide variant.
Coding change: c.1145A>G on transcript NM_001378414.1 (MANE Select); coding-DNA position 1145, A replaced by G.
Protein change: p.Gln382Arg; replaces glutamine 382 with arginine.
Molecular consequence: missense variant.
Genome position (GRCh38, 1-based): chr2:239,134,394, T>C on the plus strand (A>G on the coding strand, the complement: HDAC4 is on the minus strand). VCF-style: chr2-239134394-T-C. GRCh37 (hg19) VCF-style: chr2-240056090-T-C.
Other names: c.1145A>G, p.Gln382Arg (NM_001378415.1, NM_001378416.1, NM_001378417.1 and 1 more transcripts); short protein forms Q382R.
Identifiers: ClinVar variation 2631397 (VCV002631397.1), dbSNP rs1277137921, ClinGen allele CA351269936.

ClinVar aggregate classification (germline): Uncertain significance (1 of 4 stars; one submission).

Conditions:
HDAC4-related disorder. Also called: HDAC4-related condition.

Allele frequency attached by ClinVar (database versions not stated): gnomAD exomes below 0.00001; TOPMed below 0.00001.
gnomAD v4.1: 5 of 1,613,662 alleles (0.00031%); highest among the groups gnomAD compares: African/African-American, 0.0013%; no homozygotes.

Submission:

PreventionGenetics, part of Exact Sciences
Classification: Uncertain significance for HDAC4-related condition. Last evaluated: 2023-09-07. Review status: criteria provided, single submitter. Criteria: ACMG Guidelines, 2015. Collection method: clinical testing. Allele origin: germline.
Comment: The HDAC4 c.1145A>G variant is predicted to result in the amino acid substitution p.Gln382Arg. To our knowledge, this variant has not been reported in the literature or in a large population database, indicating this variant is rare. At this time, the clinical significance of this variant is uncertain due to the absence of conclusive functional and genetic evidence.